The following is an entry in ClinVar:

ClinVar aggregate classification (germline): Uncertain significance (1 of 4 stars; one submission).

Conditions:
Cardiovascular phenotype. Identifiers: MedGen CN230736.

Allele frequency attached by ClinVar (database versions not stated): TOPMed 0.00001.

Submission:

Ambry Genetics
Classification: Uncertain significance for Cardiovascular phenotype. Last evaluated: 2023-02-18. Review status: criteria provided, single submitter. Criteria: Ambry Variant Classification Scheme 2023. Collection method: clinical testing. Allele origin: germline.
Comment: The p.E2828D variant (also known as c.8484G>T), located in coding exon 2 of the ZNF469 gene, results from a G to T substitution at nucleotide position 8484. The glutamic acid at codon 2828 is replaced by aspartic acid, an amino acid with highly similar properties. This amino acid position is conserved. In addition, this alteration is predicted to be tolerated by in silico analysis. Since supporting evidence is limited at this time, the clinical significance of this alteration remains unclear.

NM_001367624.2(ZNF469):c.8568G>T (p.Glu2856Asp)

Gene: ZNF469 (zinc finger protein 469; plus strand). Cytogenetic location: 16q24.2.
Variant type: single nucleotide variant.
Coding change: c.8568G>T on transcript NM_001367624.2 (MANE Select); coding-DNA position 8568, G replaced by T.
Protein change: p.Glu2856Asp; replaces glutamic acid 2856 with aspartic acid.
Molecular consequence: missense variant.
Genome position (GRCh38, 1-based): chr16:88,436,038, G>T. VCF-style: chr16-88436038-G-T. GRCh37 (hg19) VCF-style: chr16-88502446-G-T.
Other names: NM_001127464.1:c.8484G>T; short protein forms E2856D.
Identifiers: ClinVar variation 2449515 (VCV002449515.2), dbSNP rs1906547119, ClinGen allele CA397118637.